The following is an entry in ClinVar:

ClinVar aggregate classification (germline): Uncertain significance (1 of 4 stars; one submission).

Conditions:
Hereditary cancer-predisposing syndrome. Also called: Neoplastic Syndromes, Hereditary; Tumor predisposition; Hereditary Cancer Syndrome; Hereditary neoplastic syndrome. Identifiers: Orphanet 140162, MedGen C0027672, MeSH D009386, MONDO:0015356.

Submission:

Ambry Genetics
Classification: Uncertain significance for Hereditary cancer-predisposing syndrome. Last evaluated: 2022-07-12. Review status: criteria provided, single submitter. Criteria: Ambry Variant Classification Scheme 2023. Collection method: clinical testing. Allele origin: germline.
Comment: The p.H278L variant (also known as c.833A>T), located in coding exon 8 of the PMS2 gene, results from an A to T substitution at nucleotide position 833. The histidine at codon 278 is replaced by leucine, an amino acid with similar properties. This amino acid position is well conserved in available vertebrate species. In addition, this alteration is predicted to be deleterious by in silico analysis. Since supporting evidence is limited at this time, the clinical significance of this alteration remains unclear.

NM_000535.7(PMS2):c.833A>T (p.His278Leu)

Gene: PMS2 (PMS1 homolog 2, mismatch repair system component; minus strand). Cytogenetic location: 7p22.1.
Variant type: single nucleotide variant.
Coding change: c.833A>T on transcript NM_000535.7 (MANE Select); coding-DNA position 833, A replaced by T.
Protein change: p.His278Leu; replaces histidine 278 with leucine.
Molecular consequence: missense variant. On other transcripts: 5 prime UTR variant (2), non-coding transcript variant (1).
Genome position (GRCh38, 1-based): chr7:5,995,604, T>A on the plus strand (A>T on the coding strand, the complement: PMS2 is on the minus strand). VCF-style: chr7-5995604-T-A. GRCh37 (hg19) VCF-style: chr7-6035235-T-A.
Other names: c.515A>T, p.His172Leu (NM_001322007.2, NM_001322008.2, NM_001406876.1 and 4 more transcripts); c.428A>T, p.His143Leu (NM_001322009.2, NM_001322010.2, NM_001406887.1 and 20 more transcripts); c.-101A>T (NM_001322011.2, NM_001322012.2); c.260A>T, p.His87Leu (NM_001322013.2, NM_001406909.1); c.833A>T, p.His278Leu (NM_001322014.2, NM_001406870.1, NM_001406871.1 and 2 more transcripts); c.524A>T, p.His175Leu (NM_001322015.2, NM_001406875.1, NM_001406877.1 and 6 more transcripts); c.1019A>T, p.His340Leu (NM_001406866.1); c.857A>T, p.His286Leu (NM_001406868.1); and 4 more; short protein forms H143L, H166L, H175L, H286L, H107L, H278L, H87L, H222L.
Identifiers: ClinVar variation 1762984 (VCV001762984.2), dbSNP rs1562664434, ClinGen allele CA366743527.